The following is an entry in ClinVar:

NM_018896.5(CACNA1G):c.6806C>G (p.Ser2269Cys)

Gene: CACNA1G (calcium voltage-gated channel subunit alpha1 G; plus strand). Cytogenetic location: 17q21.33.
Variant type: single nucleotide variant.
Coding change: c.6806C>G on transcript NM_018896.5 (MANE Select); coding-DNA position 6806, C replaced by G.
Protein change: p.Ser2269Cys; replaces serine 2269 with cysteine.
Molecular consequence: missense variant. On other transcripts: non-coding transcript variant (5).
Genome position (GRCh38, 1-based): chr17:50,626,423, C>G. VCF-style: chr17-50626423-C-G. GRCh37 (hg19) VCF-style: chr17-48703784-C-G.
Other names: c.6617C>G, p.Ser2206Cys (NM_001256324.2); c.6548C>G, p.Ser2183Cys (NM_001256325.2); c.6536C>G, p.Ser2179Cys (NM_001256326.2); c.6506C>G, p.Ser2169Cys (NM_001256327.2); c.6452C>G, p.Ser2151Cys (NM_001256328.2); c.6425C>G, p.Ser2142Cys (NM_001256329.2, NM_198387.3); c.6392C>G, p.Ser2131Cys (NM_001256330.2); c.6371C>G, p.Ser2124Cys (NM_001256331.2); and 18 more; short protein forms S2063C, S2086C, S2097C, S2119C, S2124C, S2131C, S2135C, S2138C.
Identifiers: ClinVar variation 4538890 (VCV004538890.1).

ClinVar aggregate classification (germline): Uncertain significance (1 of 4 stars; one submission).

Submission:

GeneDx
Classification: Uncertain significance. Last evaluated: 2025-06-17. Review status: criteria provided, single submitter. Criteria: GeneDx Variant Classification Process June 2021. Collection method: clinical testing. Allele origin: germline. Affected: yes.
Comment: Has not been previously published as pathogenic or benign to our knowledge